The following is an entry in ClinVar:

NM_021098.3(CACNA1H):c.2455G>A (p.Glu819Lys)

Gene: CACNA1H (calcium voltage-gated channel subunit alpha1 H; plus strand). Cytogenetic location: 16p13.3.
Variant type: single nucleotide variant.
Coding change: c.2455G>A on transcript NM_021098.3 (MANE Select); coding-DNA position 2455, G replaced by A.
Protein change: p.Glu819Lys; replaces glutamic acid 819 with lysine.
Molecular consequence: missense variant.
Genome position (GRCh38, 1-based): chr16:1,205,117, G>A. VCF-style: chr16-1205117-G-A. GRCh37 (hg19) VCF-style: chr16-1255117-G-A.
Other names: c.2455G>A, p.Glu819Lys (NM_001005407.2); short protein forms E819K.
Identifiers: ClinVar variation 377295 (VCV000377295.12), dbSNP rs375165169, ClinGen allele CA7800297.

ClinVar aggregate classification (germline): Uncertain significance. Review status: criteria provided, multiple submitters, no conflicts (2 of 4 stars). 3 submissions from 3 submitters: Uncertain significance (3). Last evaluated 2026-01-19.

Conditions:
Epilepsy, childhood absence, susceptibility to, 6. Identifiers: Orphanet 64280, MedGen C2749872, MONDO:0012763, OMIM 611942.
Hyperaldosteronism, familial, type IV (HALD4). Also called: FH IV; ALDOSTERONISM, PRIMARY, AND HYPERTENSION. Identifiers: Orphanet 642671, MedGen C4310756, MONDO:0014875, OMIM 617027.
Idiopathic generalized epilepsy. Also called: Generalised epilepsy; EIG. Identifiers: MedGen C0270850, MONDO:0005579, OMIM 600669.

Allele frequency attached by ClinVar (database versions not stated): ExAC 0.00004; gnomAD 0.00004 and 0.00005; TOPMed 0.00004; ESP Exome Variant Server 0.00008; 1000 Genomes Project 30x 0.00031.
gnomAD v4.1: 57 of 1,611,202 alleles (0.0035%); highest among the groups gnomAD compares: Admixed American, 0.01%; no homozygotes.

Submissions (3):

Labcorp Genetics (formerly Invitae), Labcorp
Classification: Uncertain significance for Idiopathic generalized epilepsy; Hyperaldosteronism, familial, type IV. Last evaluated: 2026-01-19. Review status: criteria provided, single submitter. Criteria: Invitae Variant Classification Sherloc (09022015). Collection method: clinical testing. Allele origin: germline.
Comment: This sequence change replaces glutamic acid, which is acidic and polar, with lysine, which is basic and polar, at codon 819 of the CACNA1H protein (p.Glu819Lys). This variant is present in population databases (rs375165169, gnomAD 0.006%). This missense change has been observed in individual(s) with clinical features of trigeminal neuralgia (PMID: 33083721). ClinVar contains an entry for this variant (Variation ID: 377295). Invitae Evidence Modeling of protein sequence and biophysical properties (such as structural, functional, and spatial information, amino acid conservation, physicochemical variation, residue mobility, and thermodynamic stability) indicates that this missense variant is not expected to disrupt CACNA1H protein function with a negative predictive value of 80%. Experimental studies have shown that this missense change affects CACNA1H function (PMID: 36397158). In summary, the available evidence is currently insufficient to determine the role of this variant in disease. Therefore, it has been classified as a Variant of Uncertain Significance.

Fulgent Genetics
Classification: Uncertain significance for Epilepsy, childhood absence, susceptibility to, 6; Hyperaldosteronism, familial, type IV. Last evaluated: 2024-03-22. Review status: criteria provided, single submitter. Criteria: ACMG Guidelines, 2015. Collection method: clinical testing. Allele origin: germline.

Center for Pediatric Genomic Medicine, Children's Mercy Hospital and Clinics
Classification: Uncertain significance. Last evaluated: 2017-01-31. Review status: criteria provided, single submitter. Criteria: ACMG Guidelines, 2015. Collection method: clinical testing. Allele origin: germline.
ClinVar note: Converted during submission from Uncertain Significance to Uncertain significance.

Literature cited by the submitters: PubMed 33083721 (cited by Labcorp Genetics (formerly Invitae), Labcorp); PubMed 36397158 (cited by Labcorp Genetics (formerly Invitae), Labcorp).